The following is an entry in ClinVar:

ClinVar aggregate classification (germline): Uncertain significance (1 of 4 stars; one submission).

Conditions:
Familial thoracic aortic aneurysm and aortic dissection (TAAD). Also called: Thoracic aortic aneurysms and dissections. Identifiers: Orphanet 91387, MedGen C4707243, MONDO:0019625.

Submission:

Labcorp Genetics (formerly Invitae), Labcorp
Classification: Uncertain significance for Familial thoracic aortic aneurysm and aortic dissection. Last evaluated: 2024-06-23. Review status: criteria provided, single submitter. Criteria: Invitae Variant Classification Sherloc (09022015). Collection method: clinical testing. Allele origin: germline.
Comment: This sequence change replaces alanine, which is neutral and non-polar, with proline, which is neutral and non-polar, at codon 261 of the TGFBR2 protein (p.Ala261Pro). This variant is not present in population databases (gnomAD no frequency). This variant has not been reported in the literature in individuals affected with TGFBR2-related conditions. Advanced modeling of protein sequence and biophysical properties (such as structural, functional, and spatial information, amino acid conservation, physicochemical variation, residue mobility, and thermodynamic stability) performed at Invitae indicates that this missense variant is expected to disrupt TGFBR2 protein function with a positive predictive value of 95%. In summary, the available evidence is currently insufficient to determine the role of this variant in disease. Therefore, it has been classified as a Variant of Uncertain Significance.

NM_003242.6(TGFBR2):c.781G>C (p.Ala261Pro)

Gene: TGFBR2 (transforming growth factor beta receptor 2; plus strand). Cytogenetic location: 3p24.1.
Variant type: single nucleotide variant.
Coding change: c.781G>C on transcript NM_003242.6 (MANE Select); coding-DNA position 781, G replaced by C.
Protein change: p.Ala261Pro; replaces alanine 261 with proline.
Molecular consequence: missense variant. On other transcripts: intron variant (1).
Genome position (GRCh38, 1-based): chr3:30,671,964, G>C. VCF-style: chr3-30671964-G-C. GRCh37 (hg19) VCF-style: chr3-30713456-G-C.
Other names: c.856G>C, p.Ala286Pro (NM_001024847.3); c.964G>C, p.Ala322Pro (NM_001407126.1); c.889G>C, p.Ala297Pro (NM_001407127.1); c.808G>C, p.Ala270Pro (NM_001407128.1); c.784G>C, p.Ala262Pro (NM_001407129.1); c.781G>C, p.Ala261Pro (NM_001407130.1); c.676G>C, p.Ala226Pro (NM_001407132.1, NM_001407133.1, NM_001407134.1 and 2 more transcripts); c.496G>C, p.Ala166Pro (NM_001407137.1); and 2 more; short protein forms A261P, A322P, A262P, A141P, A166P, A226P, A270P, A286P.
Identifiers: ClinVar variation 3635617 (VCV003635617.2).